The following is an entry in ClinVar:

ClinVar aggregate classification (germline): Uncertain significance. Review status: criteria provided, multiple submitters, no conflicts (2 of 4 stars). 2 submissions from 2 submitters: Uncertain significance (2). Last evaluated 2026-07-22.

Conditions:
Inborn genetic diseases. Identifiers: MedGen C0950123, MeSH D030342.
ATP11A-related disorder. Also called: ATP11A-related condition.

Allele frequency attached by ClinVar (database versions not stated): gnomAD 0.00002; gnomAD exomes 0.00002; TOPMed 0.00002; ExAC 0.00006; ESP Exome Variant Server 0.00015.

Submissions (2):

PreventionGenetics, part of Exact Sciences
Classification: Uncertain significance for ATP11A-related condition. Last evaluated: 2026-07-22. Review status: criteria provided, single submitter. Criteria: ACMG Guidelines, 2015. Collection method: clinical testing. Allele origin: germline.
Comment: The ATP11A c.1399C>T variant is predicted to result in the amino acid substitution p.Arg467Cys. To our knowledge, this variant has not been reported in the literature. This variant is reported in 0.0050% of alleles in individuals of East Asian descent in gnomAD. At this time, the clinical significance of this variant is uncertain due to the absence of conclusive functional and genetic evidence.

Ambry Genetics
Classification: Uncertain significance for Inborn genetic diseases. Last evaluated: 2023-01-26. Review status: criteria provided, single submitter. Criteria: Ambry Variant Classification Scheme 2023. Collection method: clinical testing. Allele origin: germline.

NM_015205.3(ATP11A):c.1399C>T (p.Arg467Cys)

Gene: ATP11A (ATPase phospholipid transporting 11A; plus strand). Cytogenetic location: 13q34.
Variant type: single nucleotide variant.
Coding change: c.1399C>T on transcript NM_015205.3 (MANE Select); coding-DNA position 1399, C replaced by T.
Protein change: p.Arg467Cys; replaces arginine 467 with cysteine.
Molecular consequence: missense variant.
Genome position (GRCh38, 1-based): chr13:112,832,863, C>T. VCF-style: chr13-112832863-C-T. GRCh37 (hg19) VCF-style: chr13-113487177-C-T.
Other names: c.1399C>T, p.Arg467Cys (NM_001405661.1, NM_001405662.1, NM_001405663.1 and 1 more transcripts); short protein forms R467C.
Identifiers: ClinVar variation 2459597 (VCV002459597.3), dbSNP rs143474268, ClinGen allele CA7056773.